The following is an entry in ClinVar:

ClinVar aggregate classification (germline): Pathogenic (1 of 4 stars; one submission).

Submission:

Labcorp Genetics (formerly Invitae), Labcorp
Classification: Pathogenic. Last evaluated: 2023-08-10. Review status: criteria provided, single submitter. Criteria: Invitae Variant Classification Sherloc (09022015). Collection method: clinical testing. Allele origin: germline.
Comment: For these reasons, this variant has been classified as Pathogenic. A similar copy number variant has been observed in individual(s) with hereditary retinal dystrophy (Invitae). In at least one individual the data is consistent with being in trans (on the opposite chromosome) from a pathogenic variant. It has also been observed to segregate with disease in related individuals. This variant is a gross deletion of the genomic region encompassing exon(s) 8-10 of the TUB gene. This variant would be expected to be in-frame, preserving the integrity of the reading frame.

NC_000011.9:g.(?_8118755)_(8120442_?)del

Gene: TUB (TUB bipartite transcription factor; plus strand). Cytogenetic location: 11p15.4.
Variant type: Deletion.
Identifiers: ClinVar variation 1457444 (VCV001457444.5).